The following is an entry in ClinVar:

NM_012210.4(TRIM32):c.1612G>T (p.Glu538Ter)

Genes: ASTN2 (astrotactin 2; minus strand), TRIM32 (tripartite motif containing 32; plus strand). Cytogenetic location: 9q33.1.
Variant type: single nucleotide variant.
Coding change: c.1612G>T on transcript NM_012210.4 (MANE Select); coding-DNA position 1612, G replaced by T.
Protein change: p.Glu538Ter; replaces glutamic acid 538 with a stop codon.
Molecular consequence: nonsense. On other transcripts: intron variant (3).
Genome position (GRCh38, 1-based): chr9:116,699,354, G>T. VCF-style: chr9-116699354-G-T. GRCh37 (hg19) VCF-style: chr9-119461633-G-T.
Other names: c.1612G>T, p.Glu538Ter (NM_001099679.2, NM_001379048.1, NM_001379049.1 and 1 more transcripts); c.2653+26417C>A (NM_014010.5); c.2794+26417C>A (NM_001365069.1); c.2806+26417C>A (NM_001365068.1); short protein forms E538*.
Identifiers: ClinVar variation 2434248 (VCV002434248.4), dbSNP rs2491068644, ClinGen allele CA374652058.

ClinVar aggregate classification (germline): Likely pathogenic. Review status: criteria provided, multiple submitters, no conflicts (2 of 4 stars). 2 submissions from 2 submitters: Likely pathogenic (2). Last evaluated 2025-11-06.

Conditions:
TRIM32-related disorder. Also called: TRIM32-related condition.

Allele frequency attached by ClinVar (database versions not stated): gnomAD exomes below 0.00001.
gnomAD v4.1: 1 of 1,614,194 alleles (0.000062%); highest among the groups gnomAD compares: Non-Finnish European, 0.000085%; no homozygotes.

Submissions (2):

PreventionGenetics, part of Exact Sciences
Classification: Likely pathogenic for TRIM32-related condition. Last evaluated: 2025-11-06. Review status: criteria provided, single submitter. Criteria: ACMG Guidelines, 2015. Collection method: clinical testing. Allele origin: germline.
Comment: The TRIM32 c.1612G>T variant is predicted to result in premature protein termination (p.Glu538*). To our knowledge, this variant has not been reported in the literature or in a large population database (gnomAD), indicating this variant is rare. Nonsense variants in TRIM32 are expected to be pathogenic. This variant is interpreted as likely pathogenic.

Revvity Omics, Revvity
Classification: Likely pathogenic. Last evaluated: 2022-12-05. Review status: criteria provided, single submitter. Criteria: ACMG Guidelines, 2015. Collection method: clinical testing. Allele origin: germline.